The following is an entry in ClinVar:

NM_133433.4(NIPBL):c.1171C>G (p.Pro391Ala)

Gene: NIPBL (NIPBL cohesin loading factor; plus strand). Cytogenetic location: 5p13.2.
Variant type: single nucleotide variant.
Coding change: c.1171C>G on transcript NM_133433.4 (MANE Select); coding-DNA position 1171, C replaced by G.
Protein change: p.Pro391Ala; replaces proline 391 with alanine.
Molecular consequence: missense variant.
Genome position (GRCh38, 1-based): chr5:36,976,078, C>G. VCF-style: chr5-36976078-C-G. GRCh37 (hg19) VCF-style: chr5-36976180-C-G.
Other names: c.1171C>G, p.Pro391Ala (NM_001438586.1, NM_015384.5); short protein forms P391A.
Identifiers: ClinVar variation 4802718 (VCV004802718.1).

ClinVar aggregate classification (germline): Uncertain significance (1 of 4 stars; one submission).

Conditions:
Cornelia de Lange syndrome 1 (CDLS1). Also called: TYPUS DEGENERATIVUS AMSTELODAMENSIS; Brachmann de Lange syndrome; NIPBL-Related Cornelia de Lange Syndrome. Identifiers: Orphanet 199, MedGen C4551851, MONDO:0007387, OMIM 122470.

Submission:

Labcorp Genetics (formerly Invitae), Labcorp
Classification: Uncertain significance for Cornelia de Lange syndrome 1. Last evaluated: 2025-12-30. Review status: criteria provided, single submitter. Criteria: Invitae Variant Classification Sherloc (09022015). Collection method: clinical testing. Allele origin: germline.
Comment: This sequence change replaces proline, which is neutral and non-polar, with alanine, which is neutral and non-polar, at codon 391 of the NIPBL protein (p.Pro391Ala). This variant is not present in population databases (gnomAD no frequency). This variant has not been reported in the literature in individuals affected with NIPBL-related conditions. Invitae Evidence Modeling of protein sequence and biophysical properties (such as structural, functional, and spatial information, amino acid conservation, physicochemical variation, residue mobility, and thermodynamic stability) indicates that this missense variant is not expected to disrupt NIPBL protein function with a negative predictive value of 95%. In summary, the available evidence is currently insufficient to determine the role of this variant in disease. Therefore, it has been classified as a Variant of Uncertain Significance.